The following is an entry in ClinVar:

NM_001042492.3(NF1):c.6166A>C (p.Lys2056Gln)

Gene: NF1 (neurofibromin 1; plus strand). Cytogenetic location: 17q11.2.
Variant type: single nucleotide variant.
Coding change: c.6166A>C on transcript NM_001042492.3 (MANE Select); coding-DNA position 6166, A replaced by C.
Protein change: p.Lys2056Gln; replaces lysine 2056 with glutamine.
Molecular consequence: missense variant.
Genome position (GRCh38, 1-based): chr17:31,336,653, A>C. VCF-style: chr17-31336653-A-C. GRCh37 (hg19) VCF-style: chr17-29663671-A-C.
Other names: c.6103A>C, p.Lys2035Gln (NM_000267.4); short protein forms K2056Q, K2035Q.
Identifiers: ClinVar variation 481991 (VCV000481991.8), dbSNP rs1555534667, ClinGen allele CA399011748.

ClinVar aggregate classification (germline): Uncertain significance. Review status: criteria provided, multiple submitters, no conflicts (2 of 4 stars). 2 submissions from 2 submitters: Uncertain significance (2). Last evaluated 2024-06-18.

Conditions:
Cardiovascular phenotype. Identifiers: MedGen CN230736.
Hereditary cancer-predisposing syndrome. Also called: Hereditary neoplastic syndrome; Neoplastic Syndromes, Hereditary; Tumor predisposition; Hereditary Cancer Syndrome. Identifiers: Orphanet 140162, MedGen C0027672, MeSH D009386, MONDO:0015356.
Neurofibromatosis, type 1 (NF1). Also called: VON RECKLINGHAUSEN DISEASE; Peripheral type neurofibromatosis; NEUROFIBROMATOSIS, TYPE I, SOMATIC; Neurofibromatosis, type I. Identifiers: Orphanet 636, MedGen C0027831, MONDO:0018975, OMIM 162200. Disease mechanism: loss of function.

Submissions (2):

Labcorp Genetics (formerly Invitae), Labcorp
Classification: Uncertain significance for Neurofibromatosis, type 1. Last evaluated: 2024-06-18. Review status: criteria provided, single submitter. Criteria: Invitae Variant Classification Sherloc (09022015). Collection method: clinical testing. Allele origin: germline.
Comment: This sequence change replaces lysine, which is basic and polar, with glutamine, which is neutral and polar, at codon 2035 of the NF1 protein (p.Lys2035Gln). This variant is not present in population databases (gnomAD no frequency). This variant has not been reported in the literature in individuals affected with NF1-related conditions. ClinVar contains an entry for this variant (Variation ID: 481991). Advanced modeling of protein sequence and biophysical properties (such as structural, functional, and spatial information, amino acid conservation, physicochemical variation, residue mobility, and thermodynamic stability) has been performed at Invitae for this missense variant, however the output from this modeling did not meet the statistical confidence thresholds required to predict the impact of this variant on NF1 protein function. In summary, the available evidence is currently insufficient to determine the role of this variant in disease. Therefore, it has been classified as a Variant of Uncertain Significance.

Ambry Genetics
Classification: Uncertain significance for Cardiovascular phenotype; Hereditary cancer-predisposing syndrome. Last evaluated: 2022-12-05. Review status: criteria provided, single submitter. Criteria: Ambry Variant Classification Scheme 2023. Collection method: clinical testing. Allele origin: germline.
Comment: The p.K2035Q variant (also known as c.6103A>C), located in coding exon 41 of the NF1 gene, results from an A to C substitution at nucleotide position 6103. The lysine at codon 2035 is replaced by glutamine, an amino acid with similar properties. This amino acid position is highly conserved in available vertebrate species. In addition, this alteration is predicted to be tolerated by in silico analysis. Since supporting evidence is limited at this time, the clinical significance of this alteration remains unclear.